The following is an entry in ClinVar:

ClinVar aggregate classification (germline): Benign/Likely benign. Review status: criteria provided, multiple submitters, no conflicts (2 of 4 stars). 6 submissions from 6 submitters: Benign (1); Likely benign (5). Last evaluated 2025-11-03.

Conditions:
Hereditary cancer-predisposing syndrome. Also called: Hereditary Cancer Syndrome; Neoplastic Syndromes, Hereditary; Tumor predisposition; Hereditary neoplastic syndrome. Identifiers: Orphanet 140162, MedGen C0027672, MeSH D009386, MONDO:0015356.
Familial cancer of breast. Also called: Hereditary breast cancer; hereditary breast carcinoma; BREAST CANCER, FAMILIAL. Identifiers: Orphanet 227535, MedGen C0346153, MONDO:0016419, OMIM 114480. Disease mechanism: loss of function.
Ataxia-telangiectasia syndrome (AT). Also called: Ataxia telangiectasia (A-T); Ataxia-telangiectasia, complementation group E; LOUIS-BAR SYNDROME; Cerebello-oculocutaneous telangiectasia; Immunodeficiency with ataxia telangiectasia; Ataxia-telangiectasia, complementation group D. Identifiers: Orphanet 100, MedGen C0004135, MONDO:0008840, OMIM 208900.

Allele frequency attached by ClinVar (database versions not stated): gnomAD exomes below 0.00001 and 0.00002; TOPMed below 0.00001; ExAC 0.00001.
gnomAD v4.1: 27 of 1,613,858 alleles (0.0017%); highest among the groups gnomAD compares: Non-Finnish European, 0.0023%; no homozygotes.

Submissions (6):

Labcorp Genetics (formerly Invitae), Labcorp
Classification: Likely benign for Ataxia-telangiectasia syndrome. Last evaluated: 2025-11-03. Review status: criteria provided, single submitter. Criteria: Invitae Variant Classification Sherloc (09022015). Collection method: clinical testing. Allele origin: germline.

Myriad Genetics, Inc.
Classification: Benign for Familial cancer of breast. Last evaluated: 2024-05-20. Review status: criteria provided, single submitter. Criteria: Myriad Autosomal Dominant, Autosomal Recessive and X-Linked Classification Criteria (2023). Collection method: clinical testing. Allele origin: unknown.
Comment: This variant is considered benign. This variant is a silent/synonymous amino acid change and it is not expected to impact splicing.

KCCC/NGS Laboratory, Kuwait Cancer Control Center
Classification: Likely benign for Familial cancer of breast. Last evaluated: 2023-07-07. Review status: criteria provided, single submitter. Criteria: ACMG Guidelines, 2015. Collection method: clinical testing. Allele origin: germline. Affected: yes.

GeneDx
Classification: Likely benign. Last evaluated: 2020-12-06. Review status: criteria provided, single submitter. Criteria: GeneDx Variant Classification Process June 2021. Collection method: clinical testing. Allele origin: germline. Affected: yes.

Women's Health and Genetics/Laboratory Corporation of America, LabCorp
Classification: Likely benign. Last evaluated: 2019-08-21. Review status: criteria provided, single submitter. Criteria: LabCorp Variant Classification Summary - May 2015. Collection method: clinical testing. Allele origin: germline.

Ambry Genetics
Classification: Likely benign for Hereditary cancer-predisposing syndrome. Last evaluated: 2015-01-15. Review status: criteria provided, single submitter. Criteria: Ambry Variant Classification Scheme 2023. Collection method: clinical testing. Allele origin: germline.

NM_000051.4(ATM):c.4545C>T (p.Asn1515=)

Gene: ATM (ATM serine/threonine kinase; plus strand). Cytogenetic location: 11q22.3.
Variant type: single nucleotide variant.
Coding change: c.4545C>T on transcript NM_000051.4 (MANE Select); coding-DNA position 4545, C replaced by T.
Protein change: p.Asn1515=; no amino-acid change (asparagine 1515 retained).
Molecular consequence: synonymous variant.
Genome position (GRCh38, 1-based): chr11:108,292,727, C>T. VCF-style: chr11-108292727-C-T. GRCh37 (hg19) VCF-style: chr11-108163454-C-T.
Other names: c.4545C>T, p.Asn1515= (NM_001351834.2).
Identifiers: ClinVar variation 229709 (VCV000229709.21), dbSNP rs764039368, ClinGen allele CA6265489.